The following is an entry in ClinVar:

NM_002474.3(MYH11):c.4579-14C>A

Genes: MYH11 (myosin heavy chain 11; minus strand), NDE1 (nudE neurodevelopment protein 1; plus strand). Cytogenetic location: 16p13.11.
Variant type: single nucleotide variant.
Coding change: c.4579-14C>A on transcript NM_002474.3 (MANE Select); 14 bases into the intron before coding-DNA position 4579, C replaced by A.
Molecular consequence: intron variant.
Genome position (GRCh38, 1-based): chr16:15,721,065, G>T on the plus strand (C>A on the coding strand, the complement: MYH11 is on the minus strand). VCF-style: chr16-15721065-G-T. GRCh37 (hg19) VCF-style: chr16-15814922-G-T.
Other names: c.948-3126G>T (NM_001143979.2, NM_017668.3); c.4579-14C>A (NM_022844.3); c.4600-14C>A (NM_001040114.2, NM_001040113.2).
Identifiers: ClinVar variation 4727206 (VCV004727206.1).

ClinVar aggregate classification (germline): Uncertain significance (1 of 4 stars; one submission).

Conditions:
Aortic aneurysm, familial thoracic 4 (AAT4). Also called: AORTIC ANEURYSM/AORTIC DISSECTION AND PATENT DUCTUS ARTERIOSUS. Identifiers: MedGen C1851504, MONDO:0007568, OMIM 132900.

Submission:

Labcorp Genetics (formerly Invitae), Labcorp
Classification: Uncertain significance for Aortic aneurysm, familial thoracic 4. Last evaluated: 2025-09-15. Review status: criteria provided, single submitter. Criteria: Invitae Variant Classification Sherloc (09022015). Collection method: clinical testing. Allele origin: germline.
Comment: This sequence change falls in intron 33 of the MYH11 gene. It does not directly change the encoded amino acid sequence of the MYH11 protein. This variant is not present in population databases (gnomAD no frequency). This variant has not been reported in the literature in individuals affected with MYH11-related conditions. Algorithms developed to predict the effect of sequence changes on RNA splicing suggest that this variant may disrupt the consensus splice site. In summary, the available evidence is currently insufficient to determine the role of this variant in disease. Therefore, it has been classified as a Variant of Uncertain Significance.